The following is an entry in ClinVar:

NM_022124.6(CDH23):c.1571A>C (p.Glu524Ala)

Gene: CDH23 (cadherin related 23; plus strand). Cytogenetic location: 10q22.1.
Variant type: single nucleotide variant.
Coding change: c.1571A>C on transcript NM_022124.6 (MANE Select); coding-DNA position 1571, A replaced by C.
Protein change: p.Glu524Ala; replaces glutamic acid 524 with alanine.
Molecular consequence: missense variant.
Genome position (GRCh38, 1-based): chr10:71,677,512, A>C. VCF-style: chr10-71677512-A-C. GRCh37 (hg19) VCF-style: chr10-73437269-A-C.
Other names: c.1571A>C, p.Glu524Ala (NM_001171930.2, NM_001171931.2); short protein forms E524A.
Identifiers: ClinVar variation 1479724 (VCV001479724.7), dbSNP rs2132669552, ClinGen allele CA377130189.

ClinVar aggregate classification (germline): Uncertain significance. Review status: criteria provided, multiple submitters, no conflicts (2 of 4 stars). 2 submissions from 2 submitters: Uncertain significance (2). Last evaluated 2024-09-06.

Submissions (2):

Blueprint Genetics
Classification: Uncertain significance. Last evaluated: 2024-09-06. Review status: criteria provided, single submitter. Criteria: ACMG Guidelines, 2015. Collection method: clinical testing. Allele origin: germline.

Labcorp Genetics (formerly Invitae), Labcorp
Classification: Uncertain significance. Last evaluated: 2022-11-01. Review status: criteria provided, single submitter. Criteria: Invitae Variant Classification Sherloc (09022015). Collection method: clinical testing. Allele origin: germline.
Comment: This sequence change replaces glutamic acid, which is acidic and polar, with alanine, which is neutral and non-polar, at codon 524 of the CDH23 protein (p.Glu524Ala). This variant is not present in population databases (gnomAD no frequency). This variant has not been reported in the literature in individuals affected with CDH23-related conditions. ClinVar contains an entry for this variant (Variation ID: 1479724). Advanced modeling of protein sequence and biophysical properties (such as structural, functional, and spatial information, amino acid conservation, physicochemical variation, residue mobility, and thermodynamic stability) has been performed at Invitae for this missense variant, however the output from this modeling did not meet the statistical confidence thresholds required to predict the impact of this variant on CDH23 protein function. In summary, the available evidence is currently insufficient to determine the role of this variant in disease. Therefore, it has been classified as a Variant of Uncertain Significance.